The following is an entry in ClinVar:

ClinVar aggregate classification (germline): Pathogenic (1 of 4 stars; one submission).

Submission:

GeneDx
Classification: Pathogenic. Last evaluated: 2020-12-15. Review status: criteria provided, single submitter. Criteria: GeneDx Variant Classification Process June 2021. Collection method: clinical testing. Allele origin: germline. Affected: yes.
Comment: Frameshift variant predicted to result in protein truncation in a gene for which loss-of-function is a known mechanism of disease; Not observed in large population cohorts (Lek et al., 2016); Has not been previously published as pathogenic or benign to our knowledge

NM_000074.3(CD40LG):c.638del (p.Ser213fs)

Gene: CD40LG (CD40 ligand; plus strand). Cytogenetic location: Xq26.3.
Variant type: Deletion.
Coding change: c.638del on transcript NM_000074.3 (MANE Select); coding-DNA position 638, one base deleted (G; older notation c.638delG).
Protein change: p.Ser213fs; shifts the reading frame from serine 213.
Molecular consequence: frameshift variant.
Genome position (GRCh38, 1-based): chrX:136,659,267, G deleted. VCF-style (leftmost placement, unchanged base first): chrX-136659266-AG-A. GRCh37 (hg19) VCF-style: chrX-135741425-AG-A.
Other names: c.638delG (NM_000074.2); short protein forms S213fs.
Identifiers: ClinVar variation 280565 (VCV000280565.3), dbSNP rs886041747, ClinGen allele CA10603705.